The following is an entry in ClinVar:

NM_130839.5(UBE3A):c.1388T>C (p.Phe463Ser)

Genes: SNHG14 (small nucleolar RNA host gene 14; plus strand), UBE3A (ubiquitin protein ligase E3A; minus strand). Cytogenetic location: 15q11.2.
Variant type: single nucleotide variant.
Coding change: c.1388T>C on transcript NM_130839.5 (MANE Select); coding-DNA position 1388, T replaced by C.
Protein change: p.Phe463Ser; replaces phenylalanine 463 with serine.
Molecular consequence: missense variant. On other transcripts: non-coding transcript variant (1), intron variant (2).
Genome position (GRCh38, 1-based): chr15:25,370,786, A>G on the plus strand (T>C on the coding strand, the complement: UBE3A is on the minus strand). VCF-style: chr15-25370786-A-G. GRCh37 (hg19) VCF-style: chr15-25615933-A-G.
Other names: c.1397T>C, p.Phe466Ser (NM_000462.5); c.1388T>C, p.Phe463Ser (NM_001354505.1, NM_001354538.2, NM_001354545.2); c.1328T>C, p.Phe443Ser (NM_001354506.2, NM_001354507.2, NM_001354508.2 and 17 more transcripts); c.301+4679T>C (NM_001354551.2); c.361+4679T>C (NM_001354550.2); c.1211T>C, p.Phe404Ser (NM_001354546.2); short protein forms F404S, F443S, F463S, F466S.
Identifiers: ClinVar variation 2860479 (VCV002860479.3), dbSNP rs2552191518, ClinGen allele CA391353715.
Genomic context (GRCh38, chr15:25,370,786, plus strand): 5'-GCATTCAATATAAAGGGACATGTCATAAAAGAGAATTTGTTCTCTGTTTCTACTTTGAAA[A>G]AAGTATAATCTTTATCCATTTCTAGAACCTCATTCAGTGGTTCATTAATAAACTCTTCAA-3'
Protein context (NP_570854.1, residues 453-473): EVLEMDKDYT[Phe463Ser]FKVETENKFS

ClinVar aggregate classification (germline): Uncertain significance (1 of 4 stars; one submission).

Conditions:
Angelman syndrome (AS). Also called: HAPPY PUPPET SYNDROME. Identifiers: Orphanet 72, MedGen C0162635, MONDO:0007113, OMIM 105830. Disease mechanism: loss of function. Inheritance: AS is caused by disruption of maternally imprinted UBE3A located within the 15q11.2-q13 Angelman syndrome/Prader-Willi syndrome (AS/PWS) region., imprinting disorder.

Submission:

Labcorp Genetics (formerly Invitae), Labcorp
Classification: Uncertain significance for Angelman syndrome. Last evaluated: 2023-05-12. Review status: criteria provided, single submitter. Criteria: Invitae Variant Classification Sherloc (09022015). Collection method: clinical testing. Allele origin: germline.
Comment: In summary, the available evidence is currently insufficient to determine the role of this variant in disease. Therefore, it has been classified as a Variant of Uncertain Significance. This sequence change replaces phenylalanine, which is neutral and non-polar, with serine, which is neutral and polar, at codon 443 of the UBE3A protein (p.Phe443Ser). This variant is not present in population databases (gnomAD no frequency). This variant has not been reported in the literature in individuals affected with UBE3A-related conditions. Advanced modeling of protein sequence and biophysical properties (such as structural, functional, and spatial information, amino acid conservation, physicochemical variation, residue mobility, and thermodynamic stability) has been performed at Invitae for this missense variant, however the output from this modeling did not meet the statistical confidence thresholds required to predict the impact of this variant on UBE3A protein function.